The following is an entry in ClinVar:

NM_007327.4(GRIN1):c.2392T>A (p.Cys798Ser)

Gene: GRIN1 (glutamate ionotropic receptor NMDA type subunit 1; plus strand). Cytogenetic location: 9q34.3.
Variant type: single nucleotide variant.
Coding change: c.2392T>A on transcript NM_007327.4 (MANE Select); coding-DNA position 2392, T replaced by A.
Protein change: p.Cys798Ser; replaces cysteine 798 with serine.
Molecular consequence: missense variant.
Genome position (GRCh38, 1-based): chr9:137,163,617, T>A. VCF-style: chr9-137163617-T-A. GRCh37 (hg19) VCF-style: chr9-140058069-T-A.
Other names: c.2392T>A, p.Cys798Ser (NM_000832.7, NM_021569.4); c.2455T>A, p.Cys819Ser (NM_001185090.2, NM_001185091.2); short protein forms C798S, C819S.
Identifiers: ClinVar variation 3720515 (VCV003720515.2).

ClinVar aggregate classification (germline): Uncertain significance (1 of 4 stars; one submission).

Conditions:
Neurodevelopmental disorder with or without hyperkinetic movements and seizures, autosomal dominant. Also called: Intellectual disability, autosomal dominant 8. Identifiers: MedGen C3280282, MONDO:0013655, OMIM 614254.

Submission:

Labcorp Genetics (formerly Invitae), Labcorp
Classification: Uncertain significance for Neurodevelopmental disorder with or without hyperkinetic movements and seizures, autosomal dominant. Last evaluated: 2025-01-04. Review status: criteria provided, single submitter. Criteria: Invitae Variant Classification Sherloc (09022015). Collection method: clinical testing. Allele origin: germline.
Comment: This sequence change replaces cysteine, which is neutral and slightly polar, with serine, which is neutral and polar, at codon 798 of the GRIN1 protein (p.Cys798Ser). This variant is not present in population databases (gnomAD no frequency). This variant has not been reported in the literature in individuals affected with GRIN1-related conditions. Invitae Evidence Modeling of protein sequence and biophysical properties (such as structural, functional, and spatial information, amino acid conservation, physicochemical variation, residue mobility, and thermodynamic stability) indicates that this missense variant is expected to disrupt GRIN1 protein function with a positive predictive value of 95%. In summary, the available evidence is currently insufficient to determine the role of this variant in disease. Therefore, it has been classified as a Variant of Uncertain Significance.